The following is an entry in ClinVar:

ClinVar aggregate classification (germline): Uncertain significance (1 of 4 stars; one submission).

Conditions:
Cardiomyopathy (CMYO). Also called: Cardiomyopathies. Identifiers: Orphanet 167848, MedGen C0878544, MONDO:0004994, HP:0001638. Inheritance: Various modes of inheritance.

gnomAD v4.1: 1 of 1,613,940 alleles (0.000062%); highest among the groups gnomAD compares: Middle Eastern, 0.016%; no homozygotes.

Submission:

Color Diagnostics, LLC DBA Color Health
Classification: Uncertain significance for Cardiomyopathy. Last evaluated: 2023-12-04. Review status: criteria provided, single submitter. Criteria: ACMG Guidelines, 2015. Collection method: clinical testing. Allele origin: germline.
Comment: Variant of Uncertain Significance due to insufficient evidence: This missense variant is located in the cytoplasmic domain of the RYR2 protein. Computational prediction tools and conservation analyses are inconclusive regarding the impact of this variant on the protein function. Computational splicing tools suggest that this variant may not impact RNA splicing. To our knowledge, functional assays have not been performed for this variant nor has this variant been reported in individuals affected with cardiovascular disorders in the literature. This variant is rare in the general population and has been identified in 0/277264 chromosomes by the Genome Aggregation Database (gnomAD). Available evidence is insufficient to determine the pathogenicity of this variant conclusively.

NM_001035.3(RYR2):c.2943G>T (p.Met981Ile)

Gene: RYR2 (ryanodine receptor 2; plus strand). Cytogenetic location: 1q43.
Variant type: single nucleotide variant.
Coding change: c.2943G>T on transcript NM_001035.3 (MANE Select); coding-DNA position 2943, G replaced by T.
Protein change: p.Met981Ile; replaces methionine 981 with isoleucine.
Molecular consequence: missense variant.
Genome position (GRCh38, 1-based): chr1:237,548,467, G>T. VCF-style: chr1-237548467-G-T. GRCh37 (hg19) VCF-style: chr1-237711767-G-T.
Other names: c.2943G>T, p.Met981Ile (LRG_402t1); short protein forms M981I.
Identifiers: ClinVar variation 629703 (VCV000629703.4), dbSNP rs1559007743, ClinGen allele CA345393496.